The following is an entry in ClinVar:

NM_004006.3(DMD):c.8311G>T (p.Asp2771Tyr)

Gene: DMD (dystrophin; minus strand). Cytogenetic location: Xp21.1.
Variant type: single nucleotide variant.
Coding change: c.8311G>T on transcript NM_004006.3 (MANE Select); coding-DNA position 8311, G replaced by T.
Protein change: p.Asp2771Tyr; replaces aspartic acid 2771 with tyrosine.
Molecular consequence: missense variant.
Genome position (GRCh38, 1-based): chrX:31,507,360, C>A on the plus strand (G>T on the coding strand, the complement: DMD is on the minus strand). VCF-style: chrX-31507360-C-A. GRCh37 (hg19) VCF-style: chrX-31525477-C-A.
Other names: c.8287G>T, p.Asp2763Tyr (NM_000109.4); c.8299G>T, p.Asp2767Tyr (NM_004009.3); c.7942G>T, p.Asp2648Tyr (NM_004010.3); c.4288G>T, p.Asp1430Tyr (NM_004011.4); c.4279G>T, p.Asp1427Tyr (NM_004012.4); c.931G>T, p.Asp311Tyr (NM_004013.3, NM_004020.4, NM_004021.3 and 2 more transcripts); c.124G>T, p.Asp42Tyr (NM_004014.3); short protein forms D1427Y, D2767Y, D311Y, D2648Y, D2771Y, D1430Y, D2763Y, D42Y.
Identifiers: ClinVar variation 2783493 (VCV002783493.3), dbSNP rs2525972265, ClinGen allele CA412656241.
Genomic context (GRCh38, chrX:31,507,360, plus strand): 5'-TCCGAAGTTCACTCCACTTGAAGTTCATGTTATCCAAACGTCTTTGTAACAGGACTGCAT[C>A]ATCGGAACCTTCCAGGGATCTCAGGATTTTTTGGCTGTTTTCATCCAGGTTGTGATAAAC-3'
Protein context (NP_003997.2, residues 2761-2781): KILRSLEGSD[Asp2771Tyr]AVLLQRRLDN

ClinVar aggregate classification (germline): Uncertain significance (1 of 4 stars; one submission).

Conditions:
Duchenne muscular dystrophy (DMD). Also called: MUSCULAR DYSTROPHY, PSEUDOHYPERTROPHIC PROGRESSIVE, DUCHENNE TYPE; Duchenne Muscular Dystrophy (DMD). Identifiers: Orphanet 98896, MedGen C0013264, MONDO:0010679, OMIM 310200.

Submission:

Labcorp Genetics (formerly Invitae), Labcorp
Classification: Uncertain significance for Duchenne muscular dystrophy. Last evaluated: 2024-01-17. Review status: criteria provided, single submitter. Criteria: Invitae Variant Classification Sherloc (09022015). Collection method: clinical testing. Allele origin: germline.
Comment: This sequence change replaces aspartic acid, which is acidic and polar, with tyrosine, which is neutral and polar, at codon 2771 of the DMD protein (p.Asp2771Tyr). This variant is not present in population databases (gnomAD no frequency). This variant has not been reported in the literature in individuals affected with DMD-related conditions. Advanced modeling of protein sequence and biophysical properties (such as structural, functional, and spatial information, amino acid conservation, physicochemical variation, residue mobility, and thermodynamic stability) performed at Invitae indicates that this missense variant is not expected to disrupt DMD protein function with a negative predictive value of 95%. In summary, the available evidence is currently insufficient to determine the role of this variant in disease. Therefore, it has been classified as a Variant of Uncertain Significance.